The following is an entry in ClinVar:

ClinVar aggregate classification (germline): Uncertain significance (1 of 4 stars; one submission).

Conditions:
Hypertrophic cardiomyopathy. Also called: HYPERTROPHIC MYOCARDIOPATHY. Identifiers: Orphanet 217569, MedGen C0007194, MeSH D002312, MONDO:0005045, HP:0001639.

Submission:

Labcorp Genetics (formerly Invitae), Labcorp
Classification: Uncertain significance for Hypertrophic cardiomyopathy. Last evaluated: 2023-10-19. Review status: criteria provided, single submitter. Criteria: Invitae Variant Classification Sherloc (09022015). Collection method: clinical testing. Allele origin: germline.
Comment: This sequence change replaces alanine, which is neutral and non-polar, with valine, which is neutral and non-polar, at codon 1639 of the MYOM1 protein (p.Ala1639Val). This variant is not present in population databases (gnomAD no frequency). This variant has not been reported in the literature in individuals affected with MYOM1-related conditions. Advanced modeling of protein sequence and biophysical properties (such as structural, functional, and spatial information, amino acid conservation, physicochemical variation, residue mobility, and thermodynamic stability) performed at Invitae indicates that this missense variant is not expected to disrupt MYOM1 protein function. In summary, the available evidence is currently insufficient to determine the role of this variant in disease. Therefore, it has been classified as a Variant of Uncertain Significance.

NM_003803.4(MYOM1):c.4916C>T (p.Ala1639Val)

Gene: MYOM1 (myomesin 1; minus strand). Cytogenetic location: 18p11.31.
Variant type: single nucleotide variant.
Coding change: c.4916C>T on transcript NM_003803.4 (MANE Select); coding-DNA position 4916, C replaced by T.
Protein change: p.Ala1639Val; replaces alanine 1639 with valine.
Molecular consequence: missense variant.
Genome position (GRCh38, 1-based): chr18:3,067,404, G>A on the plus strand (C>T on the coding strand, the complement: MYOM1 is on the minus strand). VCF-style: chr18-3067404-G-A. GRCh37 (hg19) VCF-style: chr18-3067402-G-A.
Other names: c.4628C>T, p.Ala1543Val (NM_019856.2); short protein forms A1543V, A1639V.
Identifiers: ClinVar variation 2770157 (VCV002770157.3), dbSNP rs2510432590, ClinGen allele CA401705089.